The following is an entry in ClinVar:

NM_000538.4(RFXAP):c.674C>T (p.Thr225Ile)

Gene: RFXAP (regulatory factor X associated protein; plus strand). Cytogenetic location: 13q13.3.
Variant type: single nucleotide variant.
Coding change: c.674C>T on transcript NM_000538.4 (MANE Select); coding-DNA position 674, C replaced by T.
Protein change: p.Thr225Ile; replaces threonine 225 with isoleucine.
Molecular consequence: missense variant.
Genome position (GRCh38, 1-based): chr13:36,825,501, C>T. VCF-style: chr13-36825501-C-T. GRCh37 (hg19) VCF-style: chr13-37399638-C-T.
Other names: short protein forms T225I.
Identifiers: ClinVar variation 2871993 (VCV002871993.3), dbSNP rs1432611615, ClinGen allele CA387858147.
Genomic context (GRCh38, chr13:36,825,501, plus strand): 5'-ACATACTCTCCATTGTTAAACAAAGAACAGGATCTTTTGGGGATCGTCCTGCAAGACCTA[C>T]TCTTTTAGAACAAGTGTTAAATCAAAAAAGACTGGTAAATATCTGTTTGTAAATCAGTTA-3'
Protein context (NP_000529.1, residues 215-235): GSFGDRPARP[Thr225Ile]LLEQVLNQKR

ClinVar aggregate classification (germline): Uncertain significance (1 of 4 stars; one submission).

Conditions:
MHC class II deficiency. Also called: Bare lymphocyte syndrome 2; BLS, TYPE II. Identifiers: Orphanet 572, MedGen C5447452, MONDO:0008855.

Allele frequency attached by ClinVar (database versions not stated): TOPMed below 0.00001.
gnomAD v4.1: 3 of 1,612,428 alleles (0.00019%); highest among the groups gnomAD compares: Non-Finnish European, 0.00025%; no homozygotes.

Submission:

Labcorp Genetics (formerly Invitae), Labcorp
Classification: Uncertain significance for MHC class II deficiency. Last evaluated: 2024-05-01. Review status: criteria provided, single submitter. Criteria: Invitae Variant Classification Sherloc (09022015). Collection method: clinical testing. Allele origin: germline.
Comment: This sequence change replaces threonine, which is neutral and polar, with isoleucine, which is neutral and non-polar, at codon 225 of the RFXAP protein (p.Thr225Ile). This variant is present in population databases (no rsID available, gnomAD 0.0009%). This variant has not been reported in the literature in individuals affected with RFXAP-related conditions. Advanced modeling of protein sequence and biophysical properties (such as structural, functional, and spatial information, amino acid conservation, physicochemical variation, residue mobility, and thermodynamic stability) performed at Invitae indicates that this missense variant is not expected to disrupt RFXAP protein function with a negative predictive value of 80%. In summary, the available evidence is currently insufficient to determine the role of this variant in disease. Therefore, it has been classified as a Variant of Uncertain Significance.